The following is an entry in ClinVar:

ClinVar aggregate classification (germline): Conflicting classifications of pathogenicity. Review status: criteria provided, conflicting classifications (1 of 4 stars). 3 submissions from 3 submitters: Uncertain significance (1); Likely benign (2). Last evaluated 2025-12-03.

Conditions:
Hennekam lymphangiectasia-lymphedema syndrome 2 (HKLLS2). Identifiers: Orphanet 2136, MedGen C4014939, MONDO:0014454, OMIM 616006.
Van Maldergem syndrome 2 (VMLDS2). Identifiers: Orphanet 314679, MedGen C3809875, MONDO:0014242, OMIM 615546.

Allele frequency attached by ClinVar (database versions not stated): ESP Exome Variant Server 0.00008; TOPMed 0.00012; gnomAD 0.00017; gnomAD exomes 0.00033; ExAC 0.00035.
gnomAD v4.1: 275 of 1,614,074 alleles (0.017%); highest among the groups gnomAD compares: Non-Finnish European, 0.011%; no homozygotes.

Submissions (3):

Labcorp Genetics (formerly Invitae), Labcorp
Classification: Likely benign. Last evaluated: 2025-12-03. Review status: criteria provided, single submitter. Criteria: Invitae Variant Classification Sherloc (09022015). Collection method: clinical testing. Allele origin: germline.

GeneDx
Classification: Uncertain significance. Last evaluated: 2025-05-13. Review status: criteria provided, single submitter. Criteria: GeneDx Variant Classification Process June 2021. Collection method: clinical testing. Allele origin: germline. Affected: yes.
Comment: In silico analysis suggests that this missense variant does not alter protein structure/function; Has not been previously published as pathogenic or benign to our knowledge

Fulgent Genetics
Classification: Likely benign for Van Maldergem syndrome 2; Hennekam lymphangiectasia-lymphedema syndrome 2. Last evaluated: 2024-05-08. Review status: criteria provided, single submitter. Criteria: ACMG Guidelines, 2015. Collection method: clinical testing. Allele origin: germline.

NM_001291303.3(FAT4):c.4432A>C (p.Ile1478Leu)

Gene: FAT4 (FAT atypical cadherin 4; plus strand). Cytogenetic location: 4q28.1.
Variant type: single nucleotide variant.
Coding change: c.4432A>C on transcript NM_001291303.3 (MANE Select); coding-DNA position 4432, A replaced by C.
Protein change: p.Ile1478Leu; replaces isoleucine 1478 with leucine.
Molecular consequence: missense variant.
Genome position (GRCh38, 1-based): chr4:125,320,843, A>C. VCF-style: chr4-125320843-A-C. GRCh37 (hg19) VCF-style: chr4-126241998-A-C.
Other names: c.4432A>C (NM_024582.5); c.4432A>C, p.Ile1478Leu (NM_001291285.3, NM_024582.6); short protein forms I1478L.
Identifiers: ClinVar variation 1303353 (VCV001303353.11), dbSNP rs200565115, ClinGen allele CA3072464.